The following is an entry in ClinVar:

ClinVar aggregate classification (germline): Likely benign (1 of 4 stars; one submission).

Conditions:
DHX30-related disorder. Also called: DHX30-related condition.

Submission:

PreventionGenetics, part of Exact Sciences
Classification: Likely benign for DHX30-related condition. Last evaluated: 2025-12-17. Review status: criteria provided, single submitter. Criteria: ACMG Guidelines, 2015. Collection method: clinical testing. Allele origin: germline.
Comment: This variant is classified as likely benign based on ACMG/AMP sequence variant interpretation guidelines (Richards et al. 2015 PMID: 25741868, with internal and published modifications).

NM_138615.3(DHX30):c.3087+3dup

Gene: DHX30 (DExH-box helicase 30; plus strand). Cytogenetic location: 3p21.31.
Variant type: Duplication.
Coding change: c.3087+3dup on transcript NM_138615.3 (MANE Select); 3 bases into the intron after coding-DNA position 3087, one base duplicated (G; older notation c.3087+3dupG).
Molecular consequence: intron variant.
Genome position (GRCh38, 1-based): chr3:47,849,352, G duplicated. VCF-style (leftmost placement, unchanged base first): chr3-47849351-T-TG. GRCh37 (hg19) VCF-style: chr3-47890841-T-TG.
Other names: c.3003+3dup (NM_001330990.2); c.2970+3dup (NM_014966.4).
Identifiers: ClinVar variation 4993126 (VCV004993126.1).